The following is an entry in ClinVar:

NM_170754.4(TNS2):c.201G>A (p.Thr67=)

Genes: TNS2 (tensin 2; plus strand), TNS2-AS1 (TNS2 antisense RNA 1; minus strand). Cytogenetic location: 12q13.13.
Variant type: single nucleotide variant.
Coding change: c.201G>A on transcript NM_170754.4 (MANE Select); coding-DNA position 201, G replaced by A.
Protein change: p.Thr67=; no amino-acid change (threonine 67 retained).
Molecular consequence: synonymous variant. On other transcripts: 5 prime UTR variant (1).
Genome position (GRCh38, 1-based): chr12:53,052,471, G>A. VCF-style: chr12-53052471-G-A. GRCh37 (hg19) VCF-style: chr12-53446255-G-A.
Other names: c.201G>A, p.Thr67= (NM_001416202.1, NM_001416204.1); c.132G>A, p.Thr44= (NM_001416203.1, NM_015319.3); c.-172G>A (NM_198316.2).
Identifiers: ClinVar variation 3031645 (VCV003031645.2), dbSNP rs761614391, ClinGen allele CA6591824.
Genomic context (GRCh38, chr12:53,052,471, plus strand): 5'-CCACAGGCCCCTGCTAACCCCTCTCCTCCCCTTACCTTCCCTAGTCTGCAAGGTGGCGAC[G>A]CACAGAAAATGTGAAGCAAAGGTGGGTATCTGATTCTACCTGATAGGGGGAGAGGGTCTG-3'
Protein context (NP_736610.2, residues 57-77): GVSCRVCKVA[Thr67=]HRKCEAKVTS

ClinVar aggregate classification (germline): Likely benign (0 of 4 stars; one submission).

Conditions:
TNS2-related disorder. Also called: TNS2-related condition.

Allele frequency attached by ClinVar (database versions not stated): gnomAD 0.00003; TOPMed 0.00004.

Submission:

PreventionGenetics, part of Exact Sciences
Classification: Likely benign for TNS2-related condition. Last evaluated: 2022-11-30. Review status: no assertion criteria provided. Collection method: clinical testing. Allele origin: germline.
Comment: This variant is classified as likely benign based on ACMG/AMP sequence variant interpretation guidelines (Richards et al. 2015 PMID: 25741868, with internal and published modifications).